The following is an entry in ClinVar:

NM_002662.5(PLD1):c.3052G>A (p.Asp1018Asn)

Gene: PLD1 (phospholipase D1; minus strand). Cytogenetic location: 3q26.31.
Variant type: single nucleotide variant.
Coding change: c.3052G>A on transcript NM_002662.5 (MANE Select); coding-DNA position 3052, G replaced by A.
Protein change: p.Asp1018Asn; replaces aspartic acid 1018 with asparagine.
Molecular consequence: missense variant.
Genome position (GRCh38, 1-based): chr3:171,603,251, C>T on the plus strand (G>A on the coding strand, the complement: PLD1 is on the minus strand). VCF-style: chr3-171603251-C-T. GRCh37 (hg19) VCF-style: chr3-171321041-C-T.
Other names: c.2938G>A, p.Asp980Asn (NM_001130081.3); c.3052G>A (NM_002662.4); short protein forms D1018N, D980N.
Identifiers: ClinVar variation 1412549 (VCV001412549.5), dbSNP rs140678011, ClinGen allele CA2704023.

ClinVar aggregate classification (germline): Uncertain significance. Review status: criteria provided, multiple submitters, no conflicts (2 of 4 stars). 3 submissions from 3 submitters: Uncertain significance (3). Last evaluated 2024-11-14.

Conditions:
Inborn genetic diseases. Identifiers: MedGen C0950123, MeSH D030342.

Allele frequency attached by ClinVar (database versions not stated): ESP Exome Variant Server 0.00015; ExAC 0.00019; gnomAD exomes 0.00026; 1000 Genomes Project 30x 0.00031; gnomAD 0.00033 and 0.00034; TOPMed 0.00038; 1000 Genomes Project 0.00040.
gnomAD v4.1: 235 of 1,614,030 alleles (0.015%); highest among the groups gnomAD compares: Admixed American, 0.14%; no homozygotes.

Submissions (3):

Ambry Genetics
Classification: Uncertain significance for Inborn genetic diseases. Last evaluated: 2024-11-14. Review status: criteria provided, single submitter. Criteria: Ambry Variant Classification Scheme 2023. Collection method: clinical testing. Allele origin: germline.

GeneDx
Classification: Uncertain significance. Last evaluated: 2024-01-07. Review status: criteria provided, single submitter. Criteria: GeneDx Variant Classification Process June 2021. Collection method: clinical testing. Allele origin: germline. Affected: yes.
Comment: In silico analysis supports that this missense variant does not alter protein structure/function; Has not been previously published as pathogenic or benign to our knowledge

Labcorp Genetics (formerly Invitae), Labcorp
Classification: Uncertain significance. Last evaluated: 2022-08-16. Review status: criteria provided, single submitter. Criteria: Invitae Variant Classification Sherloc (09022015). Collection method: clinical testing. Allele origin: germline.
Comment: This sequence change replaces aspartic acid, which is acidic and polar, with asparagine, which is neutral and polar, at codon 1018 of the PLD1 protein (p.Asp1018Asn). This variant is present in population databases (rs140678011, gnomAD 0.1%). This variant has not been reported in the literature in individuals affected with PLD1-related conditions. ClinVar contains an entry for this variant (Variation ID: 1412549). Algorithms developed to predict the effect of missense changes on protein structure and function (SIFT, PolyPhen-2, Align-GVGD) all suggest that this variant is likely to be tolerated. In summary, the available evidence is currently insufficient to determine the role of this variant in disease. Therefore, it has been classified as a Variant of Uncertain Significance.